The following is an entry in ClinVar:

NM_030958.3(SLCO5A1):c.2425G>A (p.Gly809Ser)

Gene: SLCO5A1 (solute carrier organic anion transporter family member 5A1; minus strand). Cytogenetic location: 8q13.3.
Variant type: single nucleotide variant.
Coding change: c.2425G>A on transcript NM_030958.3 (MANE Select); coding-DNA position 2425, G replaced by A.
Protein change: p.Gly809Ser; replaces glycine 809 with serine.
Molecular consequence: missense variant. On other transcripts: 3 prime UTR variant (1).
Genome position (GRCh38, 1-based): chr8:69,672,991, C>T on the plus strand (G>A on the coding strand, the complement: SLCO5A1 is on the minus strand). VCF-style: chr8-69672991-C-T. GRCh37 (hg19) VCF-style: chr8-70585226-C-T.
Other names: c.2425G>A (NM_030958.2); c.*296G>A (NM_001146008.2); c.2260G>A, p.Gly754Ser (NM_001146009.1); short protein forms G809S, G754S.
Identifiers: ClinVar variation 1512729 (VCV001512729.7), dbSNP rs779236835, ClinGen allele CA4776331.

ClinVar aggregate classification (germline): Uncertain significance. Review status: criteria provided, multiple submitters, no conflicts (2 of 4 stars). 2 submissions from 2 submitters: Uncertain significance (2). Last evaluated 2025-10-23.

Allele frequency attached by ClinVar (database versions not stated): gnomAD exomes below 0.00001; ExAC 0.00001.
gnomAD v4.1: 7 of 1,614,186 alleles (0.00043%); highest among the groups gnomAD compares: Non-Finnish European, 0.00059%; no homozygotes.

Submissions (2):

Ambry Genetics
Classification: Uncertain significance. Last evaluated: 2025-10-23. Review status: criteria provided, single submitter. Criteria: Ambry Variant Classification Scheme 2023. Collection method: clinical testing. Allele origin: germline.

Labcorp Genetics (formerly Invitae), Labcorp
Classification: Uncertain significance. Last evaluated: 2021-09-02. Review status: criteria provided, single submitter. Criteria: Invitae Variant Classification Sherloc (09022015). Collection method: clinical testing. Allele origin: germline.
Comment: In summary, the available evidence is currently insufficient to determine the role of this variant in disease. Therefore, it has been classified as a Variant of Uncertain Significance. Algorithms developed to predict the effect of missense changes on protein structure and function output the following: SIFT: "Tolerated"; PolyPhen-2: "Benign"; Align-GVGD: "Class C0". The serine amino acid residue is found in multiple mammalian species, which suggests that this missense change does not adversely affect protein function. This variant has not been reported in the literature in individuals affected with SLCO5A1-related conditions. This variant is present in population databases (rs779236835, ExAC 0.002%). This sequence change replaces glycine with serine at codon 809 of the SLCO5A1 protein (p.Gly809Ser). The glycine residue is moderately conserved and there is a small physicochemical difference between glycine and serine.